The following is an entry in ClinVar:

ClinVar aggregate classification (germline): Uncertain significance (1 of 4 stars; one submission).

Submission:

GeneDx
Classification: Uncertain significance. Last evaluated: 2023-11-11. Review status: criteria provided, single submitter. Criteria: GeneDx Variant Classification Process June 2021. Collection method: clinical testing. Allele origin: germline. Affected: yes.
Comment: Not observed at significant frequency in large population cohorts (gnomAD); In silico analysis supports that this missense variant has a deleterious effect on protein structure/function; Has not been previously published as pathogenic or benign to our knowledge; This variant is associated with the following publications: (PMID: 27311832)

NM_004380.3(CREBBP):c.5548C>T (p.Leu1850Phe)

Gene: CREBBP (CREB binding protein; minus strand). Cytogenetic location: 16p13.3.
Variant type: single nucleotide variant.
Coding change: c.5548C>T on transcript NM_004380.3 (MANE Select); coding-DNA position 5548, C replaced by T.
Protein change: p.Leu1850Phe; replaces leucine 1850 with phenylalanine.
Molecular consequence: missense variant.
Genome position (GRCh38, 1-based): chr16:3,729,499, G>A on the plus strand (C>T on the coding strand, the complement: CREBBP is on the minus strand). VCF-style: chr16-3729499-G-A. GRCh37 (hg19) VCF-style: chr16-3779500-G-A.
Other names: c.5434C>T, p.Leu1812Phe (NM_001079846.1); short protein forms L1812F, L1850F.
Identifiers: ClinVar variation 3364195 (VCV003364195.1).
Genomic context (GRCh38, chr16:3,729,499, plus strand): 5'-CCATCCGCCGGCGCATGAGCTGGGCCTGCTGCAGGCGGTGCTGGATCTGCTGCTGGCGGA[G>A]CTTGTGTTTGATGTTGAGGCAGAAGGGCACGGGGCATTTGTTTTCTTGGCAGTGCTTGGC-3'
Protein context (NP_004371.2, residues 1840-1860): VPFCLNIKHK[Leu1850Phe]RQQQIQHRLQ